The following is an entry in ClinVar:

ClinVar aggregate classification (germline): Uncertain significance. Review status: criteria provided, multiple submitters, no conflicts (2 of 4 stars). 2 submissions from 2 submitters: Uncertain significance (2). Last evaluated 2024-12-29.

Conditions:
Inborn genetic diseases. Identifiers: MedGen C0950123, MeSH D030342.
Mosaic variegated aneuploidy syndrome 2 (MVA2). Identifiers: Orphanet 1052, MedGen C3279843, MONDO:0013582, OMIM 614114.

Allele frequency attached by ClinVar (database versions not stated): TOPMed below 0.00001; gnomAD 0.00001; gnomAD exomes 0.00001.

Submissions (2):

Ambry Genetics
Classification: Uncertain significance for Inborn genetic diseases. Last evaluated: 2024-12-29. Review status: criteria provided, single submitter. Criteria: Ambry Variant Classification Scheme 2023. Collection method: clinical testing. Allele origin: germline.
Comment: The p.S27R variant (also known as c.81C>A), located in coding exon 2 of the CEP57 gene, results from a C to A substitution at nucleotide position 81. The serine at codon 27 is replaced by arginine, an amino acid with dissimilar properties. This amino acid position is conserved. In addition, this alteration is predicted to be tolerated by in silico analysis. Based on the available evidence, the clinical significance of this variant remains unclear.

Labcorp Genetics (formerly Invitae), Labcorp
Classification: Uncertain significance for Mosaic variegated aneuploidy syndrome 2. Last evaluated: 2023-08-27. Review status: criteria provided, single submitter. Criteria: Invitae Variant Classification Sherloc (09022015). Collection method: clinical testing. Allele origin: germline.
Comment: In summary, the available evidence is currently insufficient to determine the role of this variant in disease. Therefore, it has been classified as a Variant of Uncertain Significance. This sequence change replaces serine, which is neutral and polar, with arginine, which is basic and polar, at codon 27 of the CEP57 protein (p.Ser27Arg). This variant is not present in population databases (gnomAD no frequency). This variant has not been reported in the literature in individuals affected with CEP57-related conditions. An algorithm developed to predict the effect of missense changes on protein structure and function (PolyPhen-2) suggests that this variant is likely to be tolerated.

NM_014679.5(CEP57):c.81C>A (p.Ser27Arg)

Gene: CEP57 (centrosomal protein 57; plus strand). Cytogenetic location: 11q21.
Variant type: single nucleotide variant.
Coding change: c.81C>A on transcript NM_014679.5 (MANE Select); coding-DNA position 81, C replaced by A.
Protein change: p.Ser27Arg; replaces serine 27 with arginine.
Molecular consequence: missense variant. On other transcripts: 5 prime UTR variant (1).
Genome position (GRCh38, 1-based): chr11:95,799,267, C>A. VCF-style: chr11-95799267-C-A. GRCh37 (hg19) VCF-style: chr11-95532431-C-A.
Other names: c.54C>A, p.Ser18Arg (NM_001243776.2); c.81C>A, p.Ser27Arg (NM_001243777.2); c.-1C>A (NM_001363604.2); c.81C>A (NM_014679.4); short protein forms S18R, S27R.
Identifiers: ClinVar variation 2763721 (VCV002763721.5), dbSNP rs1565311656, ClinGen allele CA382415502.